The following is an entry in ClinVar:

ClinVar aggregate classification (germline): Likely benign. Review status: criteria provided, multiple submitters, no conflicts (2 of 4 stars). 3 submissions from 3 submitters: Likely benign (3). Last evaluated 2025-12-10.

Allele frequency attached by ClinVar (database versions not stated): gnomAD 0.00003 and 0.00004; gnomAD exomes 0.00003; TOPMed 0.00011.
gnomAD v4.1: 39 of 1,161,686 alleles (0.0034%); highest among the groups gnomAD compares: Admixed American, 0.023%; no homozygotes.

Submissions (3):

Labcorp Genetics (formerly Invitae), Labcorp
Classification: Likely benign. Last evaluated: 2025-12-10. Review status: criteria provided, single submitter. Criteria: Invitae Variant Classification Sherloc (09022015). Collection method: clinical testing. Allele origin: germline.

Blueprint Genetics
Classification: Likely benign. Last evaluated: 2024-11-06. Review status: criteria provided, single submitter. Criteria: ACMG Guidelines, 2015. Collection method: clinical testing. Allele origin: germline.

GeneDx
Classification: Likely benign. Last evaluated: 2018-02-05. Review status: criteria provided, single submitter. Criteria: GeneDx Variant Classification (06012015). Collection method: clinical testing. Allele origin: germline. Affected: yes.
Comment: This variant is considered likely benign or benign based on one or more of the following criteria: it is a conservative change, it occurs at a poorly conserved position in the protein, it is predicted to be benign by multiple in silico algorithms, and/or has population frequency not consistent with disease.

NM_005984.5(SLC25A1):c.15C>T (p.Arg5=)

Gene: SLC25A1 (solute carrier family 25 member 1; minus strand). Cytogenetic location: 22q11.21.
Variant type: single nucleotide variant.
Coding change: c.15C>T on transcript NM_005984.5 (MANE Select); coding-DNA position 15, C replaced by T.
Protein change: p.Arg5=; no amino-acid change (arginine 5 retained).
Molecular consequence: synonymous variant. On other transcripts: non-coding transcript variant (1).
Genome position (GRCh38, 1-based): chr22:19,178,659, G>A on the plus strand (C>T on the coding strand, the complement: SLC25A1 is on the minus strand). VCF-style: chr22-19178659-G-A. GRCh37 (hg19) VCF-style: chr22-19166172-G-A.
Identifiers: ClinVar variation 514596 (VCV000514596.6), dbSNP rs1430894741, ClinGen allele CA512981956.